The following is an entry in ClinVar:

NM_021930.6(RINT1):c.904G>A (p.Val302Ile)

Gene: RINT1 (RAD50 interactor 1; plus strand). Cytogenetic location: 7q22.3.
Variant type: single nucleotide variant.
Coding change: c.904G>A on transcript NM_021930.6 (MANE Select); coding-DNA position 904, G replaced by A.
Protein change: p.Val302Ile; replaces valine 302 with isoleucine.
Molecular consequence: missense variant. On other transcripts: 5 prime UTR variant (2), non-coding transcript variant (1), intron variant (1).
Genome position (GRCh38, 1-based): chr7:105,548,618, G>A. VCF-style: chr7-105548618-G-A. GRCh37 (hg19) VCF-style: chr7-105189065-G-A.
Other names: c.670G>A, p.Val224Ile (NM_001346599.2); c.-116G>A (NM_001346600.2); c.-21G>A (NM_001346601.2); c.-27-1437G>A (NM_001346603.2); short protein forms V224I, V302I.
Identifiers: ClinVar variation 3227672 (VCV003227672.1), dbSNP rs2485127721, ClinGen allele CA368807951.

ClinVar aggregate classification (germline): Uncertain significance (1 of 4 stars; one submission).

Allele frequency attached by ClinVar (database versions not stated): gnomAD exomes below 0.00001.
gnomAD v4.1: 1 of 1,614,064 alleles (0.000062%); highest among the groups gnomAD compares: South Asian, 0.0011%; no homozygotes.

Submission:

Ambry Genetics
Classification: Uncertain significance. Last evaluated: 2023-09-20. Review status: criteria provided, single submitter. Criteria: Ambry Variant Classification Scheme 2023. Collection method: clinical testing. Allele origin: germline.
Comment: The p.V302I variant (also known as c.904G>A), located in coding exon 7 of the RINT1 gene, results from a G to A substitution at nucleotide position 904. The valine at codon 302 is replaced by isoleucine, an amino acid with highly similar properties. This amino acid position is conserved. In addition, this alteration is predicted to be tolerated by in silico analysis. Since supporting evidence is limited at this time, the clinical significance of this alteration remains unclear.